The following is an entry in ClinVar:

ClinVar aggregate classification (germline): Likely benign. Review status: criteria provided, multiple submitters, no conflicts (2 of 4 stars). 2 submissions from 2 submitters: Likely benign (2). Last evaluated 2018-06-14.

Allele frequency attached by ClinVar (database versions not stated): gnomAD exomes 0.00081 and 0.00226; ExAC 0.00287; gnomAD 0.00830 and 0.00881; TOPMed 0.00911; ESP Exome Variant Server 0.00918; 1000 Genomes Project 0.01139; 1000 Genomes Project 30x 0.01186.

Submissions (2):

GeneDx
Classification: Likely benign. Last evaluated: 2018-06-14. Review status: criteria provided, single submitter. Criteria: GeneDx Variant Classification (06012015). Collection method: clinical testing. Allele origin: germline. Affected: yes.
Comment: This variant is considered likely benign or benign based on one or more of the following criteria: it is a conservative change, it occurs at a poorly conserved position in the protein, it is predicted to be benign by multiple in silico algorithms, and/or has population frequency not consistent with disease.

Breakthrough Genomics
Classification: Likely benign. Review status: criteria provided, single submitter. Criteria: ACMG Guidelines, 2015. Collection method: not provided. Allele origin: germline. Inheritance: X-linked inheritance. Affected: yes.

NM_000116.5(TAFAZZIN):c.647-42C>T

Gene: TAFAZZIN (tafazzin, phospholipid-lysophospholipid transacylase; plus strand). Cytogenetic location: Xq28.
Variant type: single nucleotide variant.
Coding change: c.647-42C>T on transcript NM_000116.5 (MANE Select); 42 bases into the intron before coding-DNA position 647, C replaced by T.
Molecular consequence: intron variant.
Genome position (GRCh38, 1-based): chrX:154,420,170, C>T. VCF-style: chrX-154420170-C-T. GRCh37 (hg19) VCF-style: chrX-153648509-C-T.
Other names: c.659-42C>T (NM_001303465.2); c.605-42C>T (NM_181312.4); c.557-42C>T (NM_181311.4); c.515-42C>T (NM_181313.4).
Identifiers: ClinVar variation 674108 (VCV000674108.2), dbSNP rs73638278, ClinGen allele CA10562396.